The following is an entry in ClinVar:

NM_001077525.3(MTMR14):c.1775C>T (p.Ala592Val)

Gene: MTMR14 (myotubularin related protein 14; plus strand). Cytogenetic location: 3p25.3.
Variant type: single nucleotide variant.
Coding change: c.1775C>T on transcript NM_001077525.3 (MANE Select); coding-DNA position 1775, C replaced by T.
Protein change: p.Ala592Val; replaces alanine 592 with valine.
Molecular consequence: missense variant. On other transcripts: non-coding transcript variant (9).
Genome position (GRCh38, 1-based): chr3:9,701,795, C>T. VCF-style: chr3-9701795-C-T. GRCh37 (hg19) VCF-style: chr3-9743479-C-T.
Other names: c.1433C>T, p.Ala478Val (NM_001400526.1); c.1373C>T, p.Ala458Val (NM_001400527.1); c.1364C>T, p.Ala455Val (NM_001400528.1); c.1337C>T, p.Ala446Val (NM_001400529.1); c.1193C>T, p.Ala398Val (NM_001400530.1); c.1190C>T, p.Ala397Val (NM_001400531.1); c.1157C>T, p.Ala386Val (NM_001400532.1); c.1133C>T, p.Ala378Val (NM_001400533.1, NM_001400534.1, NM_001400535.1); and 19 more; short protein forms A305V, A353V, A386V, A446V, A455V, A458V, A540V, A563V.
Identifiers: ClinVar variation 2406569 (VCV002406569.6), dbSNP rs543084165, ClinGen allele CA2240881.

ClinVar aggregate classification (germline): Uncertain significance. Review status: criteria provided, multiple submitters, no conflicts (2 of 4 stars). 2 submissions from 2 submitters: Uncertain significance (2). Last evaluated 2025-08-12.

Allele frequency attached by ClinVar (database versions not stated): ExAC 0.00003; 1000 Genomes Project 30x 0.00016; 1000 Genomes Project 0.00020.
gnomAD v4.1: 13 of 1,613,780 alleles (0.00081%); highest among the groups gnomAD compares: Middle Eastern, 0.049%; no homozygotes.

Submissions (2):

Ambry Genetics
Classification: Uncertain significance. Last evaluated: 2025-08-12. Review status: criteria provided, single submitter. Criteria: Ambry Variant Classification Scheme 2023. Collection method: clinical testing. Allele origin: germline.

Labcorp Genetics (formerly Invitae), Labcorp
Classification: Uncertain significance. Last evaluated: 2023-05-16. Review status: criteria provided, single submitter. Criteria: Invitae Variant Classification Sherloc (09022015). Collection method: clinical testing. Allele origin: germline.
Comment: An algorithm developed to predict the effect of missense changes on protein structure and function (PolyPhen-2) suggests that this variant is likely to be tolerated. ClinVar contains an entry for this variant (Variation ID: 2406569). This variant has not been reported in the literature in individuals affected with MTMR14-related conditions. This variant is present in population databases (rs543084165, gnomAD 0.009%). This sequence change replaces alanine, which is neutral and non-polar, with valine, which is neutral and non-polar, at codon 480 of the MTMR14 protein (p.Ala480Val). In summary, the available evidence is currently insufficient to determine the role of this variant in disease. Therefore, it has been classified as a Variant of Uncertain Significance.